The following is an entry in ClinVar:

NM_001048174.2(MUTYH):c.872C>G (p.Ala291Gly)

Gene: MUTYH (mutY DNA glycosylase; minus strand). Cytogenetic location: 1p34.1.
Variant type: single nucleotide variant.
Coding change: c.872C>G on transcript NM_001048174.2 (MANE Select); coding-DNA position 872, C replaced by G.
Protein change: p.Ala291Gly; replaces alanine 291 with glycine.
Molecular consequence: missense variant. On other transcripts: non-coding transcript variant (7).
Genome position (GRCh38, 1-based): chr1:45,332,064, G>C on the plus strand (C>G on the coding strand, the complement: MUTYH is on the minus strand). VCF-style: chr1-45332064-G-C. GRCh37 (hg19) VCF-style: chr1-45797736-G-C.
Other names: c.872C>G, p.Ala291Gly (NM_001407072.1, NM_001407073.1, NM_001048171.2 and 6 more transcripts); c.788C>G, p.Ala263Gly (NM_001407075.1); c.905C>G, p.Ala302Gly (NM_001407077.1, NM_001293191.2, NM_001407069.1); c.875C>G, p.Ala292Gly (NM_001048172.2, NM_001407078.1, NM_001407071.1 and 1 more transcripts); c.833C>G, p.Ala278Gly (NM_001407079.1); c.830C>G, p.Ala277Gly (NM_001407080.1); c.956C>G, p.Ala319Gly (NM_001128425.2); c.527C>G, p.Ala176Gly (NM_001407082.1, NM_001350650.2, NM_001350651.2); and 5 more; short protein forms A263G, A291G, A292G, A302G, A316G, A199G, A277G, A278G.
Identifiers: ClinVar variation 4113951 (VCV004113951.1).

ClinVar aggregate classification (germline): Uncertain significance (1 of 4 stars; one submission).

Conditions:
Hereditary cancer-predisposing syndrome. Also called: Hereditary neoplastic syndrome; Neoplastic Syndromes, Hereditary; Tumor predisposition; Hereditary Cancer Syndrome. Identifiers: Orphanet 140162, MedGen C0027672, MeSH D009386, MONDO:0015356.

Submission:

Ambry Genetics
Classification: Uncertain significance for Hereditary cancer-predisposing syndrome. Last evaluated: 2025-08-27. Review status: criteria provided, single submitter. Criteria: Ambry Variant Classification Scheme 2023. Collection method: clinical testing. Allele origin: germline.
Comment: The p.A319G variant (also known as c.956C>G), located in coding exon 11 of the MUTYH gene, results from a C to G substitution at nucleotide position 956. The alanine at codon 319 is replaced by glycine, an amino acid with similar properties. This amino acid position is conserved. In addition, this alteration is predicted to be tolerated by in silico analysis. Based on the available evidence, the clinical significance of this variant remains unclear.